The following is an entry in ClinVar:

ClinVar aggregate classification (germline): Likely pathogenic (1 of 4 stars; one submission).

Conditions:
Nephronophthisis 15 (NPHP15). Identifiers: Orphanet 3156, MedGen C3541853, MONDO:0013917, OMIM 614845.

Submission:

Labcorp Genetics (formerly Invitae), Labcorp
Classification: Likely pathogenic for Nephronophthisis 15. Last evaluated: 2022-04-07. Review status: criteria provided, single submitter. Criteria: Invitae Variant Classification Sherloc (09022015). Collection method: clinical testing. Allele origin: germline.
Comment: In summary, the currently available evidence indicates that the variant is pathogenic, but additional data are needed to prove that conclusively. Therefore, this variant has been classified as Likely Pathogenic. Algorithms developed to predict the effect of sequence changes on RNA splicing suggest that this variant may create or strengthen a splice site. This variant has not been reported in the literature in individuals affected with CEP164-related conditions. This variant is not present in population databases (gnomAD no frequency). This sequence change affects a donor splice site in intron 4 of the CEP164 gene. It is expected to disrupt RNA splicing. Variants that disrupt the donor or acceptor splice site typically lead to a loss of protein function (PMID: 16199547), and loss-of-function variants in CEP164 are known to be pathogenic (PMID: 22863007, 28125082, 32367404, 34132027, 34499853).

Literature cited by the submitters: PubMed 16199547; PubMed 22863007; PubMed 28125082; PubMed 32367404; PubMed 34132027; PubMed 34499853.

NM_014956.5(CEP164):c.194+2T>C

Gene: CEP164 (centrosomal protein 164; plus strand). Cytogenetic location: 11q23.3.
Variant type: single nucleotide variant.
Coding change: c.194+2T>C on transcript NM_014956.5 (MANE Select); the canonical splice donor site of the intron after coding-DNA position 194, T replaced by C.
Molecular consequence: splice donor variant.
Genome position (GRCh38, 1-based): chr11:117,344,279, T>C. VCF-style: chr11-117344279-T-C. GRCh37 (hg19) VCF-style: chr11-117214995-T-C.
Other names: c.194+2T>C (NM_001271933.2).
Identifiers: ClinVar variation 2122508 (VCV002122508.4), dbSNP rs2540461335, ClinGen allele CA382722801.